The following is an entry in ClinVar:

ClinVar aggregate classification (germline): Likely benign (0 of 4 stars; one submission).

Conditions:
MSH6-related disorder. Also called: MSH6-related condition; MSH6-Related disorders.

Allele frequency attached by ClinVar (database versions not stated): gnomAD 0.00001; TOPMed 0.00002; ESP Exome Variant Server 0.00008.
gnomAD v4.1: 19 of 1,586,432 alleles (0.0012%); highest among the groups gnomAD compares: Non-Finnish European, 0.0016%; no homozygotes.

Submission:

PreventionGenetics, part of Exact Sciences
Classification: Likely benign for MSH6-related condition. Last evaluated: 2023-08-09. Review status: no assertion criteria provided. Collection method: clinical testing. Allele origin: germline.
Comment: This variant is classified as likely benign based on ACMG/AMP sequence variant interpretation guidelines (Richards et al. 2015 PMID: 25741868, with internal and published modifications).

NM_000179.3(MSH6):c.457+27G>T

Gene: MSH6 (mutS homolog 6; plus strand). Cytogenetic location: 2p16.3.
Variant type: single nucleotide variant.
Coding change: c.457+27G>T on transcript NM_000179.3 (MANE Select); 27 bases into the intron after coding-DNA position 457, G replaced by T.
Molecular consequence: intron variant.
Genome position (GRCh38, 1-based): chr2:47,791,150, G>T. VCF-style: chr2-47791150-G-T. GRCh37 (hg19) VCF-style: chr2-48018289-G-T.
Other names: c.457+27G>T (NM_001406809.1, NM_001406796.1, NM_001406808.1 and 5 more transcripts); c.-280+27G>T (NM_001406811.1, NM_001281493.2, NM_001406829.1 and 1 more transcripts); c.160+27G>T (NM_001406805.1, NM_001406797.1, NM_001406801.1 and 10 more transcripts); c.553+27G>T (NM_001406795.1, NM_001406802.1); c.463+21G>T (NM_001406813.1); c.-472+27G>T (NM_001406807.1); c.-538+27G>T (NM_001406814.1); c.-280+180G>T (NM_001406812.1); and 6 more.
Identifiers: ClinVar variation 3061662 (VCV003061662.2), dbSNP rs376985059, ClinGen allele CA46697417.